The following is an entry in ClinVar:

ClinVar aggregate classification (germline): Conflicting classifications of pathogenicity. Review status: criteria provided, conflicting classifications (1 of 4 stars). 10 submissions from 10 submitters: Uncertain significance (6); Likely benign (4). Last evaluated 2026-07-08.

Conditions:
TTN-related disorder. Also called: TTN-related condition; TTN-related disease; TTN-related disorders.
Dilated cardiomyopathy 1G (CMD1G). Identifiers: Orphanet 154, MedGen C1858763, MONDO:0011400, OMIM 604145.
Autosomal recessive limb-girdle muscular dystrophy type 2J (LGMDR10). Also called: Limb-girdle muscular dystrophy, type 2J; MUSCULAR DYSTROPHY, LIMB-GIRDLE, AUTOSOMAL RECESSIVE 10. Identifiers: Orphanet 140922, MedGen C1837342, MONDO:0012127, OMIM 608807.
Cardiovascular phenotype. Identifiers: MedGen CN230736.

Allele frequency attached by ClinVar (database versions not stated): gnomAD exomes 0.00006 and 0.00010; ExAC 0.00008; ESP Exome Variant Server 0.00017; 1000 Genomes Project 0.00020; gnomAD 0.00022; TOPMed 0.00022; 1000 Genomes Project 30x 0.00031.
gnomAD v4.1: 168 of 1,612,772 alleles (0.01%); highest among the groups gnomAD compares: African/African-American, 0.072%; no homozygotes.

Submissions (10):

PreventionGenetics, part of Exact Sciences
Classification: Uncertain significance for TTN-related condition. Last evaluated: 2026-07-08. Review status: criteria provided, single submitter. Criteria: ACMG Guidelines, 2015. Collection method: clinical testing. Allele origin: germline.
Comment: The TTN c.107230A>G variant is predicted to result in the amino acid substitution p.Ile35744Val. To our knowledge, this variant has not been reported in the literature. This variant is reported in 0.066% of alleles in individuals of African descent in gnomAD. Although we suspect that this variant may be benign, at this time, the clinical significance of this variant is uncertain due to the absence of conclusive functional and genetic evidence.

Women's Health and Genetics/Laboratory Corporation of America, LabCorp
Classification: Uncertain significance. Last evaluated: 2025-09-15. Review status: criteria provided, single submitter. Criteria: LabCorp Variant Classification Summary - May 2015. Collection method: clinical testing. Allele origin: germline.

Molecular Diagnostic Laboratory for Inherited Cardiovascular Disease, Montreal Heart Institute
Classification: Likely benign. Last evaluated: 2025-04-09. Review status: criteria provided, single submitter. Criteria: ACMG Guidelines, 2015. Collection method: clinical testing. Allele origin: germline. Affected: no.

Blueprint Genetics
Classification: Likely benign. Last evaluated: 2021-08-03. Review status: criteria provided, single submitter. Criteria: ACMG Guidelines, 2015. Collection method: clinical testing. Allele origin: germline.

Revvity Omics, Revvity
Classification: Uncertain significance. Last evaluated: 2020-11-17. Review status: criteria provided, single submitter. Criteria: ACMG Guidelines, 2015. Collection method: clinical testing. Allele origin: germline.

GeneDx
Classification: Likely benign. Last evaluated: 2019-09-16. Review status: criteria provided, single submitter. Criteria: GeneDx Variant Classification Process June 2021. Collection method: clinical testing. Allele origin: germline. Affected: yes.
Comment: This variant is associated with the following publications: (PMID: 23861362)

Ambry Genetics
Classification: Likely benign for Cardiovascular phenotype. Last evaluated: 2018-08-15. Review status: criteria provided, single submitter. Criteria: Ambry Variant Classification Scheme 2023. Collection method: clinical testing. Allele origin: germline.

Labcorp Genetics (formerly Invitae), Labcorp
Classification: Uncertain significance for Dilated cardiomyopathy 1G; Autosomal recessive limb-girdle muscular dystrophy type 2J. Last evaluated: 2017-10-17. Review status: criteria provided, single submitter. Criteria: Invitae Variant Classification Sherloc (09022015). Collection method: clinical testing. Allele origin: germline.

Athena Diagnostics
Classification: Uncertain significance. Last evaluated: 2016-08-17. Review status: criteria provided, single submitter. Criteria: Athena Diagnostics Criteria. Collection method: clinical testing. Allele origin: germline.

Biesecker Lab/Clinical Genomics Section, National Institutes of Health
Classification: Uncertain significance. Last evaluated: 2013-06-24. Review status: criteria provided, single submitter. Criteria: Ng et al. (Circ Cardiovasc Genet. 2013). Collection method: research. Allele origin: unknown. Observed: 1 variant allele. Study: ClinSeq.
Comment: The study set was not selected for affection status in relation to any cancer. Pathogenicity categories were based on literature curation. See Pubmed ID:23861362 for details.

Medical sequencing

Literature cited by the submitters: PubMed 23861362 (cited by Ambry Genetics).

NM_001267550.2(TTN):c.107230A>G (p.Ile35744Val)

Genes: TTN (titin; minus strand), TTN-AS1 (TTN antisense RNA 1; plus strand). Cytogenetic location: 2q31.2.
Variant type: single nucleotide variant.
Coding change: c.107230A>G on transcript NM_001267550.2 (MANE Select); coding-DNA position 107230, A replaced by G.
Protein change: p.Ile35744Val; replaces isoleucine 35744 with valine.
Molecular consequence: missense variant.
Genome position (GRCh38, 1-based): chr2:178,528,421, T>C on the plus strand (A>G on the coding strand, the complement: TTN is on the minus strand). VCF-style: chr2-178528421-T-C. GRCh37 (hg19) VCF-style: chr2-179393148-T-C.
Other names: c.107230A>G (LRG_391t1); c.102307A>G, p.Ile34103Val (NM_001256850.1); c.80035A>G, p.Ile26679Val (NM_003319.4); c.99526A>G, p.Ile33176Val (NM_133378.4); c.80410A>G, p.Ile26804Val (NM_133432.3); c.80611A>G, p.Ile26871Val (NM_133437.4); short protein forms I33176V, I35744V, I34103V, I26871V, I26804V, I26679V.
Identifiers: ClinVar variation 191804 (VCV000191804.15), dbSNP rs142336788, ClinGen allele CA237590.
Genomic context (GRCh38, chr2:178,528,421, plus strand): 5'-CATTTCGGATTTCAAGGGAGTATACATTTCTGGAGCGGCTTATGCTGACATTTGAAGAAA[T>C]AGAAATCTAAGACAAAGGAAAAAGAAAAGAAATGTTGAAGTTCTTCAGATGTGGAAGACA-3'
Protein context (NP_001254479.2, residues 35734-35754): EWFKNNLPIS[Ile35744Val]SSNVSISRSR